The following is an entry in ClinVar:

NM_020184.4(CNNM4):c.1699C>G (p.Pro567Ala)

Gene: CNNM4 (cyclin and CBS domain divalent metal cation transport mediator 4; plus strand). Cytogenetic location: 2q11.2.
Variant type: single nucleotide variant.
Coding change: c.1699C>G on transcript NM_020184.4 (MANE Select); coding-DNA position 1699, C replaced by G.
Protein change: p.Pro567Ala; replaces proline 567 with alanine.
Molecular consequence: missense variant.
Genome position (GRCh38, 1-based): chr2:96,799,074, C>G. VCF-style: chr2-96799074-C-G. GRCh37 (hg19) VCF-style: chr2-97464811-C-G.
Other names: c.1699C>G (NM_020184.3); short protein forms P567A.
Identifiers: ClinVar variation 2041485 (VCV002041485.2), dbSNP rs1206301449, ClinGen allele CA347704634.
Genomic context (GRCh38, chr2:96,799,074, plus strand): 5'-CCTGGCCAGCCCCGTGTGAGGTCTCTTCTCTCTCCTCCTACAGAGGTCTCTCAGTTTAGC[C>G]CCTCCCTGATATCAGAGAAGATCCTGCTGCGGCTACTCAAGTACCCAGATGTCATTCAGG-3'
Protein context (NP_064569.3, residues 557-577): FLATEVSQFS[Pro567Ala]SLISEKILLR

ClinVar aggregate classification (germline): Uncertain significance. Review status: criteria provided, multiple submitters, no conflicts (2 of 4 stars). 2 submissions from 2 submitters: Uncertain significance (2). Last evaluated 2025-08-20.

Conditions:
Inborn genetic diseases. Identifiers: MedGen C0950123, MeSH D030342.

Allele frequency attached by ClinVar (database versions not stated): gnomAD 0.00001; gnomAD exomes 0.00001; TOPMed 0.00001.
gnomAD v4.1: 4 of 1,614,016 alleles (0.00025%); highest among the groups gnomAD compares: Admixed American, 0.0067%; no homozygotes.

Submissions (2):

Ambry Genetics
Classification: Uncertain significance for Inborn genetic diseases. Last evaluated: 2025-08-20. Review status: criteria provided, single submitter. Criteria: Ambry Variant Classification Scheme 2023. Collection method: clinical testing. Allele origin: germline.

Labcorp Genetics (formerly Invitae), Labcorp
Classification: Uncertain significance. Last evaluated: 2022-02-08. Review status: criteria provided, single submitter. Criteria: Invitae Variant Classification Sherloc (09022015). Collection method: clinical testing. Allele origin: germline.
Comment: This sequence change replaces proline, which is neutral and non-polar, with alanine, which is neutral and non-polar, at codon 567 of the CNNM4 protein (p.Pro567Ala). This variant is present in population databases (no rsID available, gnomAD 0.009%). This variant has not been reported in the literature in individuals affected with CNNM4-related conditions. Algorithms developed to predict the effect of missense changes on protein structure and function (SIFT, PolyPhen-2, Align-GVGD) all suggest that this variant is likely to be tolerated. In summary, the available evidence is currently insufficient to determine the role of this variant in disease. Therefore, it has been classified as a Variant of Uncertain Significance.